The following is an entry in ClinVar:

NM_000154.2(GALK1):c.298G>T (p.Glu100Ter)

Gene: GALK1 (galactokinase 1; minus strand). Cytogenetic location: 17q25.1.
Variant type: single nucleotide variant.
Coding change: c.298G>T on transcript NM_000154.2 (MANE Select); coding-DNA position 298, G replaced by T.
Protein change: p.Glu100Ter; replaces glutamic acid 100 with a stop codon.
Molecular consequence: nonsense.
Genome position (GRCh38, 1-based): chr17:75,763,954, C>A on the plus strand (G>T on the coding strand, the complement: GALK1 is on the minus strand). VCF-style: chr17-75763954-C-A. GRCh37 (hg19) VCF-style: chr17-73760035-C-A.
Other names: short protein forms E100*.
Identifiers: ClinVar variation 863469 (VCV000863469.11), dbSNP rs2061599016, ClinGen allele CA401106643.

ClinVar aggregate classification (germline): Pathogenic/Likely pathogenic. Review status: criteria provided, multiple submitters, no conflicts (2 of 4 stars). 2 submissions from 2 submitters: Pathogenic (1); Likely pathogenic (1). Last evaluated 2019-12-21.

Conditions:
Deficiency of galactokinase. Also called: GALACTOSEMIA II; Galactokinase deficiency with cataracts. Identifiers: Orphanet 352, Orphanet 79237, MedGen C0268155, MONDO:0009255, OMIM 230200.

Submissions (2):

Labcorp Genetics (formerly Invitae), Labcorp
Classification: Pathogenic for Deficiency of galactokinase. Last evaluated: 2019-12-21. Review status: criteria provided, single submitter. Criteria: Invitae Variant Classification Sherloc (09022015). Collection method: clinical testing. Allele origin: germline.
Comment: For these reasons, this variant has been classified as Pathogenic. This variant has not been reported in the literature in individuals with GALK1-related conditions. This sequence change creates a premature translational stop signal (p.Glu100*) in the GALK1 gene. It is expected to result in an absent or disrupted protein product. This variant is not present in population databases (ExAC no frequency). Loss-of-function variants in GALK1 are known to be pathogenic (PMID: 7670469, 10790206).

Myriad Genetics, Inc.
Classification: Likely pathogenic for Deficiency of galactokinase. Last evaluated: 2019-07-29. Review status: criteria provided, single submitter. Criteria: Myriad Women's Health Autosomal Recessive and X-Linked Classification Criteria (2019). Collection method: clinical testing. Allele origin: unknown.
Comment: NM_000154.1(GALK1):c.298G>T(E100*) is expected to be pathogenic in the context of galactokinase deficiency. This variant is predicted to lead to an abnormal or absent protein product due to the creation of a premature termination codon in GALK1, a gene where loss-of-function variants are known to be pathogenic. Please note: this variant was assessed in the context of healthy population screening.

Literature cited by the submitters: PubMed 7670469 (cited by Labcorp Genetics (formerly Invitae), Labcorp); PubMed 10790206 (cited by Labcorp Genetics (formerly Invitae), Labcorp).